The following is an entry in ClinVar:

ClinVar aggregate classification (germline): Uncertain significance (1 of 4 stars; one submission).

Conditions:
Fibrous dysplasia of jaw (CRBM). Also called: Cherubism. Identifiers: Orphanet 184, MedGen C0008029, MONDO:0007315, OMIM 118400.

Allele frequency attached by ClinVar (database versions not stated): gnomAD exomes below 0.00001.
gnomAD v4.1: 1 of 1,614,126 alleles (0.000062%); highest among the groups gnomAD compares: Non-Finnish European, 0.000085%; no homozygotes.

Submission:

Labcorp Genetics (formerly Invitae), Labcorp
Classification: Uncertain significance for Fibrous dysplasia of jaw. Last evaluated: 2021-09-15. Review status: criteria provided, single submitter. Criteria: Invitae Variant Classification Sherloc (09022015). Collection method: clinical testing. Allele origin: germline.
Comment: In summary, the available evidence is currently insufficient to determine the role of this variant in disease. Therefore, it has been classified as a Variant of Uncertain Significance. Algorithms developed to predict the effect of missense changes on protein structure and function (SIFT, PolyPhen-2, Align-GVGD) all suggest that this variant is likely to be tolerated. This variant has not been reported in the literature in individuals affected with SH3BP2-related conditions. This variant is not present in population databases (ExAC no frequency). This sequence change replaces glutamic acid with aspartic acid at codon 479 of the SH3BP2 protein (p.Glu479Asp). The glutamic acid residue is moderately conserved and there is a small physicochemical difference between glutamic acid and aspartic acid.

NM_001122681.2(SH3BP2):c.1437G>C (p.Glu479Asp)

Gene: SH3BP2 (SH3 domain binding protein 2; plus strand). Cytogenetic location: 4p16.3.
Variant type: single nucleotide variant.
Coding change: c.1437G>C on transcript NM_001122681.2 (MANE Select); coding-DNA position 1437, G replaced by C.
Protein change: p.Glu479Asp; replaces glutamic acid 479 with aspartic acid.
Molecular consequence: missense variant.
Genome position (GRCh38, 1-based): chr4:2,832,361, G>C. VCF-style: chr4-2832361-G-C. GRCh37 (hg19) VCF-style: chr4-2834088-G-C.
Other names: c.1521G>C, p.Glu507Asp (NM_001145855.2); c.1608G>C, p.Glu536Asp (NM_001145856.2); c.1437G>C, p.Glu479Asp (NM_003023.4); short protein forms E479D, E507D, E536D.
Identifiers: ClinVar variation 1437753 (VCV001437753.6), dbSNP rs2108742039, ClinGen allele CA356058679.
Genomic context (GRCh38, chr4:2,832,361, plus strand): 5'-TCACCCGCTAATATGACTGTCTTATTTTAGGTTGTTCAAGGCTACAAGCCCCCGGGGAGA[G>C]CCCCAGGATGGACTCTACTGCATCCGGAACTCCTCTACCAAGTCGGGGAAGGTAGGCGCC-3'
Protein context (NP_001116153.1, residues 469-489): RLFKATSPRG[Glu479Asp]PQDGLYCIRN